The following is an entry in ClinVar:

ClinVar aggregate classification (germline): Uncertain significance (1 of 4 stars; one submission).

Submission:

GeneDx
Classification: Uncertain significance. Last evaluated: 2024-03-23. Review status: criteria provided, single submitter. Criteria: GeneDx Variant Classification Process June 2021. Collection method: clinical testing. Allele origin: germline. Affected: yes.
Comment: Not observed at significant frequency in large population cohorts (gnomAD); In silico analysis supports that this missense variant does not alter protein structure/function; Has not been previously published as pathogenic or benign to our knowledge

NM_001378120.1(MBD5):c.2344G>A (p.Gly782Ser)

Gene: MBD5 (methyl-CpG binding domain protein 5; plus strand). Cytogenetic location: 2q23.1.
Variant type: single nucleotide variant.
Coding change: c.2344G>A on transcript NM_001378120.1 (MANE Select); coding-DNA position 2344, G replaced by A.
Protein change: p.Gly782Ser; replaces glycine 782 with serine.
Molecular consequence: missense variant.
Genome position (GRCh38, 1-based): chr2:148,470,287, G>A. VCF-style: chr2-148470287-G-A. GRCh37 (hg19) VCF-style: chr2-149227856-G-A.
Other names: c.2344G>A, p.Gly782Ser (NM_018328.5); short protein forms G782S.
Identifiers: ClinVar variation 3371503 (VCV003371503.1).